The following is an entry in ClinVar:

NM_017415.3(KLHL3):c.*2248C>T

Gene: KLHL3 (kelch like family member 3; minus strand). Cytogenetic location: 5q31.2.
Variant type: single nucleotide variant.
Coding change: c.*2248C>T on transcript NM_017415.3 (MANE Select); 2248 bases downstream of the stop codon, C replaced by T.
Molecular consequence: 3 prime UTR variant.
Genome position (GRCh38, 1-based): chr5:137,619,850, G>A on the plus strand (C>T on the coding strand, the complement: KLHL3 is on the minus strand). VCF-style: chr5-137619850-G-A. GRCh37 (hg19) VCF-style: chr5-136955539-G-A.
Other names: c.*2248C>T (NM_001257194.1, NM_001257195.2).
Identifiers: ClinVar variation 350953 (VCV000350953.6), dbSNP rs3813317, ClinGen allele CA10622772.

ClinVar aggregate classification (germline): Benign (1 of 4 stars; one submission).

Conditions:
Pseudohypoaldosteronism type 2D (PHA2D). Also called: FAMILIAL HYPERKALEMIC HYPERTENSION; PSEUDOHYPOALDOSTERONISM, TYPE IID, AUTOSOMAL DOMINANT OR RECESSIVE; Pseudohypoaldosteronism Type IID. Identifiers: Orphanet 300525, Orphanet 757, MedGen C3469605, MONDO:0013781, OMIM 614495.

Allele frequency attached by ClinVar (database versions not stated): gnomAD 0.00019 and 0.00040; TOPMed 0.00030; 1000 Genomes Project 30x 0.00109; 1000 Genomes Project 0.00140.

Submission:

Illumina Laboratory Services, Illumina
Classification: Benign for Pseudohypoaldosteronism type 2D. Last evaluated: 2018-01-12. Review status: criteria provided, single submitter. Criteria: ICSL Variant Classification Criteria 13 December 2019. Collection method: clinical testing. Allele origin: germline.
Comment: This variant was observed in the ICSL laboratory as part of a predisposition screen in an ostensibly healthy population. It had not been previously curated by ICSL or reported in the Human Gene Mutation Database (HGMD: prior to June 1st, 2018), and was therefore a candidate for classification through an automated scoring system. Utilizing variant allele frequency, disease prevalence and penetrance estimates, and inheritance mode, an automated score was calculated to assess if this variant is too frequent to cause the disease. Based on the score and internal cut-off values, a variant classified as benign is not then subjected to further curation. The score for this variant resulted in a classification of benign for this disease.